The following is an entry in ClinVar:

NM_001384317.1(ZHX3):c.2169C>A (p.Ser723Arg)

Gene: ZHX3 (zinc fingers and homeoboxes 3; minus strand). Cytogenetic location: 20q12.
Variant type: single nucleotide variant.
Coding change: c.2169C>A on transcript NM_001384317.1 (MANE Select); coding-DNA position 2169, C replaced by A.
Protein change: p.Ser723Arg; replaces serine 723 with arginine.
Molecular consequence: missense variant.
Genome position (GRCh38, 1-based): chr20:41,202,748, G>T on the plus strand (C>A on the coding strand, the complement: ZHX3 is on the minus strand). VCF-style: chr20-41202748-G-T. GRCh37 (hg19) VCF-style: chr20-39831388-G-T.
Other names: c.2169C>A, p.Ser723Arg (NM_001384318.1, NM_001384319.1, NM_001384320.1 and 8 more transcripts); short protein forms S723R.
Identifiers: ClinVar variation 4771413 (VCV004771413.1).

ClinVar aggregate classification (germline): Uncertain significance (1 of 4 stars; one submission).

gnomAD v4.1: 6 of 1,614,004 alleles (0.00037%); highest among the groups gnomAD compares: East Asian, 0.011%; no homozygotes.

Submission:

Labcorp Genetics (formerly Invitae), Labcorp
Classification: Uncertain significance. Last evaluated: 2025-11-25. Review status: criteria provided, single submitter. Criteria: Invitae Variant Classification Sherloc (09022015). Collection method: clinical testing. Allele origin: germline.
Comment: This sequence change replaces serine, which is neutral and polar, with arginine, which is basic and polar, at codon 723 of the ZHX3 protein (p.Ser723Arg). This variant is present in population databases (rs774610757, gnomAD 0.03%). This variant has not been reported in the literature in individuals affected with ZHX3-related conditions. An algorithm developed to predict the effect of missense changes on protein structure and function (PolyPhen-2) suggests that this variant is likely to be disruptive. In summary, the available evidence is currently insufficient to determine the role of this variant in disease. Therefore, it has been classified as a Variant of Uncertain Significance.